The following is an entry in ClinVar:

ClinVar aggregate classification (germline): Uncertain significance (1 of 4 stars; one submission).

Allele frequency attached by ClinVar (database versions not stated): TOPMed below 0.00001; gnomAD 0.00001.

Submission:

GeneDx
Classification: Uncertain significance. Last evaluated: 2023-01-31. Review status: criteria provided, single submitter. Criteria: GeneDx Variant Classification Process June 2021. Collection method: clinical testing. Allele origin: germline. Affected: yes.
Comment: Not observed at significant frequency in large population cohorts (gnomAD); In silico analysis supports that this missense variant has a deleterious effect on protein structure/function; Has not been previously published as pathogenic or benign to our knowledge

NM_001356.5(DDX3X):c.262C>T (p.Arg88Cys)

Gene: DDX3X (DEAD-box helicase 3 X-linked; plus strand). Cytogenetic location: Xp11.4.
Variant type: single nucleotide variant.
Coding change: c.262C>T on transcript NM_001356.5 (MANE Select); coding-DNA position 262, C replaced by T.
Protein change: p.Arg88Cys; replaces arginine 88 with cysteine.
Molecular consequence: missense variant. On other transcripts: 5 prime UTR variant (1), non-coding transcript variant (1).
Genome position (GRCh38, 1-based): chrX:41,341,594, C>T. VCF-style: chrX-41341594-C-T. GRCh37 (hg19) VCF-style: chrX-41200847-C-T.
Other names: c.262C>T, p.Arg88Cys (NM_001193416.3); c.214C>T, p.Arg72Cys (NM_001193417.3); c.-297C>T (NM_001363819.1); short protein forms R72C, R88C.
Identifiers: ClinVar variation 2574264 (VCV002574264.1), dbSNP rs2065257339, ClinGen allele CA412765221.